The following is an entry in ClinVar:

ClinVar aggregate classification (germline): Pathogenic. Review status: criteria provided, single submitter (1 of 4 stars). 2 submissions from 2 submitters: Pathogenic (1). 1 of the submissions does not count toward it. Last evaluated 2018-02-07.

Conditions:
Autosomal recessive nonsyndromic hearing loss 6. Also called: NEUROSENSORY NONSYNDROMIC RECESSIVE DEAFNESS 6. Identifiers: Orphanet 90636, MedGen C1832992, MONDO:0010965, OMIM 600971.

Allele frequency attached by ClinVar (database versions not stated): gnomAD exomes 0.00001 and 0.00003; ExAC 0.00002.

Submissions (2):

Baylor Genetics
Classification: Pathogenic for Autosomal recessive nonsyndromic hearing loss 6. Last evaluated: 2018-02-07. Review status: criteria provided, single submitter. Criteria: ACMG Guidelines, 2015. Collection method: clinical testing. Allele origin: unknown. Affected: yes.
Comment: This variant was determined to be pathogenic according to ACMG Guidelines, 2015 [PMID:25741868].

OMIM
Classification: Pathogenic for DEAFNESS, AUTOSOMAL RECESSIVE 6. Last evaluated: 2002-09-01. Review status: no assertion criteria provided. Collection method: literature only. Allele origin: germline. Not counted in ClinVar's aggregate classification.

Literature cited by the submitters: PubMed 12145746 (cited by OMIM).

NM_147196.3(TMIE):c.274C>T (p.Arg92Trp)

Gene: TMIE (transmembrane inner ear; plus strand). Cytogenetic location: 3p21.31.
Variant type: single nucleotide variant.
Coding change: c.274C>T on transcript NM_147196.3 (MANE Select); coding-DNA position 274, C replaced by T.
Protein change: p.Arg92Trp; replaces arginine 92 with tryptophan.
Molecular consequence: missense variant.
Genome position (GRCh38, 1-based): chr3:46,709,188, C>T. VCF-style: chr3-46709188-C-T. GRCh37 (hg19) VCF-style: chr3-46750678-C-T.
Other names: c.115C>T, p.Arg39Trp (NM_001370524.1, NM_001370525.1); short protein forms R92W, R39W.
Identifiers: ClinVar variation 3392 (VCV000003392.7), dbSNP rs28941781, ClinGen allele CA252747.